The following is an entry in ClinVar:

NM_004927.4(MRPL49):c.76T>C (p.Leu26=)

Genes: MRPL49 (mitochondrial ribosomal protein L49; plus strand), LOC130005993 (ATAC-STARR-seq lymphoblastoid active region 4944; plus strand). Cytogenetic location: 11q13.1.
Variant type: single nucleotide variant.
Coding change: c.76T>C on transcript NM_004927.4 (MANE Select); coding-DNA position 76, T replaced by C.
Protein change: p.Leu26=; no amino-acid change (leucine 26 retained).
Molecular consequence: synonymous variant. On other transcripts: non-coding transcript variant (1).
Genome position (GRCh38, 1-based): chr11:65,122,422, T>C. VCF-style: chr11-65122422-T-C. GRCh37 (hg19) VCF-style: chr11-64889894-T-C.
Identifiers: ClinVar variation 5040701 (VCV005040701.1).

ClinVar aggregate classification (germline): Likely benign (1 of 4 stars; one submission).

Submission:

CeGaT Center for Human Genetics Tuebingen
Classification: Likely benign. Last evaluated: 2026-09-01. Review status: criteria provided, single submitter. Criteria: CeGaT Center For Human Genetics Tuebingen Variant Classification Criteria Version 2. Collection method: clinical testing. Allele origin: germline. Affected: yes. Observed: 1 variant allele.
Comment: MRPL49: PM2:Supporting, BP4, BP7